The following is an entry in ClinVar:

ClinVar aggregate classification (germline): Conflicting classifications of pathogenicity. Review status: criteria provided, conflicting classifications (1 of 4 stars). 9 submissions from 9 submitters: Uncertain significance (8); Benign (1). Last evaluated 2025-11-06.

Conditions:
Hereditary nonpolyposis colorectal neoplasms. Identifiers: MedGen C0009405, MeSH D003123.
Hereditary cancer-predisposing syndrome. Also called: Hereditary neoplastic syndrome; Neoplastic Syndromes, Hereditary; Hereditary Cancer Syndrome; Tumor predisposition. Identifiers: Orphanet 140162, MedGen C0027672, MeSH D009386, MONDO:0015356.
Lynch syndrome. Identifiers: Orphanet 144, MedGen C4552100, MONDO:0005835. Disease mechanism: loss of function.
Lynch syndrome 5 (LYNCH5). Also called: Hereditary non-polyposis colorectal cancer, type 5; Colorectal cancer, hereditary nonpolyposis, type 5. Identifiers: Orphanet 144, MedGen C1833477, MONDO:0013710, OMIM 614350. Disease mechanism: loss of function.
Endometrial carcinoma. Also called: Endometrial carcinoma, somatic. Identifiers: MedGen C0476089, MONDO:0002447, OMIM 608089, HP:0012114.

gnomAD v4.1: 5 of 1,612,290 alleles (0.00031%); highest among the groups gnomAD compares: African/African-American, 0.0013%; no homozygotes.

Submissions (9):

Helix
Classification: Uncertain significance for Lynch syndrome 5. Last evaluated: 2025-11-06. Review status: criteria provided, single submitter. Criteria: ACMG Guidelines, 2015. Collection method: clinical testing. Allele origin: germline. Inheritance: Autosomal dominant inheritance.
Comment: This variant (NM_000179.3:c.3974A>T p.Lys1325Met) results in the substitution of lysine with methionine at codon 1325 in the MSH6 protein. It is present in the gnomAD population database (v4.1) at the highest allele frequency in the African/African American subpopulation among non-founder subpopulations (1/75048 alleles, 0.0013%). To our knowledge, this variant has not been reported in individuals with MSH6-related conditions in the published literature. In silico prediction from the HCI Database of Prior Probabilities of Pathogenicity suggests that this variant may be benign. This variant is present in ClinVar (Accession: VCV000230130.27). In conclusion, since the available evidence is limited, the clinical significance of this variant is unclear at this time. Therefore, it is classified as a Variant of Uncertain Significance.

Color Diagnostics, LLC DBA Color Health
Classification: Uncertain significance for Hereditary cancer-predisposing syndrome. Last evaluated: 2025-03-31. Review status: criteria provided, single submitter. Criteria: ACMG Guidelines, 2015. Collection method: clinical testing. Allele origin: germline.
Comment: This missense variant replaces lysine with methionine at codon 1325 of the MSH6 protein. Computational prediction is inconclusive regarding the impact of this variant on protein structure and function (internally defined REVEL score threshold 0.5 < inconclusive < 0.7, PMID: 27666373). To our knowledge, functional studies have not been reported for this variant. This variant has been reported in 1/60466 individuals with breast cancer and 2/53461 unaffected individuals in a case-control analysis (PMID: 33471991). This variant has not been identified in the general population by the Genome Aggregation Database (gnomAD). The available evidence is insufficient to determine the role of this variant in disease conclusively. Therefore, this variant is classified as a Variant of Uncertain Significance.

Ambry Genetics
Classification: Uncertain significance for Hereditary cancer-predisposing syndrome. Last evaluated: 2025-03-18. Review status: criteria provided, single submitter. Criteria: Ambry Variant Classification Scheme 2023. Collection method: clinical testing. Allele origin: germline.
Comment: The p.K1325M variant (also known as c.3974A>T), located in coding exon 9 of the MSH6 gene, results from an A to T substitution at nucleotide position 3974. The lysine at codon 1325 is replaced by methionine, an amino acid with similar properties. This amino acid position is not well conserved in available vertebrate species. In addition, the in silico prediction for this alteration is inconclusive. Since supporting evidence is limited at this time, the clinical significance of this alteration remains unclear.

Labcorp Genetics (formerly Invitae), Labcorp
Classification: Benign for Hereditary nonpolyposis colorectal neoplasms. Last evaluated: 2025-02-26. Review status: criteria provided, single submitter. Criteria: Invitae Variant Classification Sherloc (09022015). Collection method: clinical testing. Allele origin: germline.

Quest Diagnostics Nichols Institute San Juan Capistrano
Classification: Uncertain significance. Last evaluated: 2024-12-07. Review status: criteria provided, single submitter. Criteria: Quest Diagnostics criteria. Collection method: clinical testing. Allele origin: unknown.
Comment: The MSH6 c.3974A>T (p.Lys1325Met) variant has been reported in the published literature in a large scale breast cancer association study in both breast cancer cases and reportedly healthy individuals (PMID: 33471991 (2021), see also LOVD). This variant has not been reported in large, multi-ethnic general populations (Genome Aggregation Database). Analysis of this variant using bioinformatics tools for the prediction of the effect of amino acid changes on protein structure and function yielded conflicting predictions that this variant is benign or damaging. Based on the available information, we are unable to determine the clinical significance of this variant.

All of Us Research Program, National Institutes of Health
Classification: Uncertain significance for Lynch syndrome. Last evaluated: 2024-06-09. Review status: criteria provided, single submitter. Criteria: ACMG Guidelines, 2015. Collection method: clinical testing. Allele origin: germline. Inheritance: Autosomal dominant inheritance. Observed: 3 variant alleles, 3 heterozygotes.
Comment: This missense variant replaces lysine with methionine at codon 1325 of the MSH6 protein. Computational prediction is inconclusive regarding the impact of this variant on protein structure and function (internally defined REVEL score threshold 0.5 < inconclusive < 0.7, PMID: 27666373). To our knowledge, functional studies have not been reported for this variant. This variant has not been reported in individuals affected with MSH6-related disorders in the literature. This variant has not been identified in the general population by the Genome Aggregation Database (gnomAD). The available evidence is insufficient to determine the role of this variant in disease conclusively. Therefore, this variant is classified as a Variant of Uncertain Significance.

This study involves interpretation of variants in research participants for the purpose of population health screening. Participant phenotype was not available at the time of variant classification. Additional details can be found in publication PMID: 35346344, PMCID: PMC8962531

GeneDx
Classification: Uncertain significance. Last evaluated: 2023-10-24. Review status: criteria provided, single submitter. Criteria: GeneDx Variant Classification Process June 2021. Collection method: clinical testing. Allele origin: germline. Affected: yes.
Comment: Not observed at significant frequency in large population cohorts (gnomAD); In silico analysis supports that this missense variant does not alter protein structure/function; Has not been previously published as pathogenic or benign to our knowledge; This variant is associated with the following publications: (PMID: 12019211, 21120944, 17531815)

Baylor Genetics
Classification: Uncertain significance for Endometrial carcinoma. Last evaluated: 2023-08-14. Review status: criteria provided, single submitter. Criteria: ACMG Guidelines, 2015. Collection method: clinical testing. Allele origin: unknown.

Clinical Genetics Laboratory, Skane University Hospital Lund
Classification: Uncertain significance. Last evaluated: 2022-05-27. Review status: criteria provided, single submitter. Criteria: ACMG Guidelines, 2015. Collection method: clinical testing. Allele origin: germline. Affected: yes.

Literature cited by the submitters: PubMed 33471991 (cited by Color Diagnostics, LLC DBA Color Health and Quest Diagnostics Nichols Institute San Juan Capistrano).

NM_000179.3(MSH6):c.3974A>T (p.Lys1325Met)

Gene: MSH6 (mutS homolog 6; plus strand). Cytogenetic location: 2p16.3.
Variant type: single nucleotide variant.
Coding change: c.3974A>T on transcript NM_000179.3 (MANE Select); coding-DNA position 3974, A replaced by T.
Protein change: p.Lys1325Met; replaces lysine 1325 with methionine.
Molecular consequence: missense variant.
Genome position (GRCh38, 1-based): chr2:47,806,624, A>T. VCF-style: chr2-47806624-A-T. GRCh37 (hg19) VCF-style: chr2-48033763-A-T.
Other names: c.3584A>T, p.Lys1195Met (NM_001281492.2); c.3068A>T, p.Lys1023Met (NM_001281493.2, NM_001281494.2); short protein forms K1325M, K1023M, K1195M.
Identifiers: ClinVar variation 230130 (VCV000230130.30), dbSNP rs876658189, ClinGen allele CA10578172.